The following is an entry in ClinVar:

NM_000081.4(LYST):c.6730G>A (p.Ala2244Thr)

Gene: LYST (lysosomal trafficking regulator; minus strand). Cytogenetic location: 1q42.3.
Variant type: single nucleotide variant.
Coding change: c.6730G>A on transcript NM_000081.4 (MANE Select); coding-DNA position 6730, G replaced by A.
Protein change: p.Ala2244Thr; replaces alanine 2244 with threonine.
Molecular consequence: missense variant.
Genome position (GRCh38, 1-based): chr1:235,759,123, C>T on the plus strand (G>A on the coding strand, the complement: LYST is on the minus strand). VCF-style: chr1-235759123-C-T. GRCh37 (hg19) VCF-style: chr1-235922423-C-T.
Other names: c.6730G>A, p.Ala2244Thr (NM_001301365.1); short protein forms A2244T.
Identifiers: ClinVar variation 4057160 (VCV004057160.2).

ClinVar aggregate classification (germline): Uncertain significance. Review status: criteria provided, multiple submitters, no conflicts (2 of 4 stars). 2 submissions from 2 submitters: Uncertain significance (2). Last evaluated 2025-01-11.

gnomAD v4.1: 5 of 1,614,070 alleles (0.00031%); highest among the groups gnomAD compares: East Asian, 0.0045%; no homozygotes.

Submissions (2):

GeneDx
Classification: Uncertain significance. Last evaluated: 2025-01-11. Review status: criteria provided, single submitter. Criteria: GeneDx Variant Classification Process June 2021. Collection method: clinical testing. Allele origin: germline. Affected: yes.
Comment: In silico analysis indicates that this missense variant does not alter protein structure/function; Has not been previously published as pathogenic or benign to our knowledge

Blueprint Genetics
Classification: Uncertain significance. Last evaluated: 2020-12-15. Review status: criteria provided, single submitter. Criteria: ACMG Guidelines, 2015. Collection method: clinical testing. Allele origin: germline.